The following is an entry in ClinVar:

ClinVar aggregate classification (germline): Uncertain significance. Review status: criteria provided, multiple submitters, no conflicts (2 of 4 stars). 2 submissions from 2 submitters: Uncertain significance (2). Last evaluated 2024-09-17.

Conditions:
Spermatogenic failure 18. Identifiers: MedGen C4539783, MONDO:0054615, OMIM 617576.
Ciliary dyskinesia, primary, 37 (CILD37). Also called: CILIARY DYSKINESIA, PRIMARY, 37, WITH OR WITHOUT SITUS INVERSUS. Identifiers: MedGen C4539798, MONDO:0033204, OMIM 617577.

Allele frequency attached by ClinVar (database versions not stated): TOPMed 0.00012; ESP Exome Variant Server 0.00024.
gnomAD v4.1: 199 of 1,594,944 alleles (0.012%); highest among the groups gnomAD compares: Non-Finnish European, 0.016%; no homozygotes.

Submissions (2):

Blueprint Genetics
Classification: Uncertain significance. Last evaluated: 2024-09-17. Review status: criteria provided, single submitter. Criteria: ACMG Guidelines, 2015. Collection method: clinical testing. Allele origin: germline.

Labcorp Genetics (formerly Invitae), Labcorp
Classification: Uncertain significance for Ciliary dyskinesia, primary, 37; Spermatogenic failure 18. Last evaluated: 2022-08-05. Review status: criteria provided, single submitter. Criteria: Invitae Variant Classification Sherloc (09022015). Collection method: clinical testing. Allele origin: germline.
Comment: This variant is present in population databases (rs377213436, gnomAD 0.01%). This sequence change replaces alanine, which is neutral and non-polar, with serine, which is neutral and polar, at codon 2599 of the DNAH1 protein (p.Ala2599Ser). This missense change has been observed in individual(s) with primary ciliary dyskinesia (PMID: 31765523). In summary, the available evidence is currently insufficient to determine the role of this variant in disease. Therefore, it has been classified as a Variant of Uncertain Significance. Algorithms developed to predict the effect of missense changes on protein structure and function are either unavailable or do not agree on the potential impact of this missense change (SIFT: "Deleterious"; PolyPhen-2: "Probably Damaging"; Align-GVGD: "Class C0"). ClinVar contains an entry for this variant (Variation ID: 478494).

Literature cited by the submitters: PubMed 31765523 (cited by Labcorp Genetics (formerly Invitae), Labcorp).

NM_015512.5(DNAH1):c.7795G>T (p.Ala2599Ser)

Gene: DNAH1 (dynein axonemal heavy chain 1; plus strand). Cytogenetic location: 3p21.1.
Variant type: single nucleotide variant.
Coding change: c.7795G>T on transcript NM_015512.5 (MANE Select); coding-DNA position 7795, G replaced by T.
Protein change: p.Ala2599Ser; replaces alanine 2599 with serine.
Molecular consequence: missense variant.
Genome position (GRCh38, 1-based): chr3:52,381,826, G>T. VCF-style: chr3-52381826-G-T. GRCh37 (hg19) VCF-style: chr3-52415842-G-T.
Other names: short protein forms A2599S.
Identifiers: ClinVar variation 478494 (VCV000478494.4), dbSNP rs377213436, ClinGen allele CA2434971.